The following is an entry in ClinVar:

NM_001379610.1(SPINK1):c.174C>T (p.Cys58=)

Gene: SPINK1 (serine peptidase inhibitor Kazal type 1; minus strand). Cytogenetic location: 5q32.
Variant type: single nucleotide variant.
Coding change: c.174C>T on transcript NM_001379610.1 (MANE Select); coding-DNA position 174, C replaced by T.
Protein change: p.Cys58=; no amino-acid change (cysteine 58 retained).
Molecular consequence: synonymous variant.
Genome position (GRCh38, 1-based): chr5:147,828,042, G>A on the plus strand (C>T on the coding strand, the complement: SPINK1 is on the minus strand). VCF-style: chr5-147828042-G-A. GRCh37 (hg19) VCF-style: chr5-147207605-G-A.
Other names: p.Cys58=; c.174C>T, p.Cys58= (NM_001354966.2, NM_003122.5).
Identifiers: ClinVar variation 258913 (VCV000258913.37), dbSNP rs35737774, ClinGen allele CA3494780.

ClinVar aggregate classification (germline): Benign/Likely benign. Review status: criteria provided, multiple submitters, no conflicts (2 of 4 stars). 11 submissions from 11 submitters: Benign (7); Likely benign (2). 2 of the submissions do not count toward it. Last evaluated 2026-01-30.

Conditions:
Hereditary pancreatitis (PCTT). Also called: PRSS1-Related Hereditary Pancreatitis; Hereditary chronic pancreatitis. Identifiers: Orphanet 676, MedGen C0238339, MONDO:0008185, OMIM 167800.

Allele frequency attached by ClinVar (database versions not stated): gnomAD exomes 0.01082; ExAC 0.01380; gnomAD 0.04145 and 0.04434; TOPMed 0.04770; ESP Exome Variant Server 0.04805; 1000 Genomes Project 30x 0.05309.
gnomAD v4.1: 12,061 of 1,612,588 alleles (0.75%); highest among the groups gnomAD compares: African/African-American, 14%; 755 homozygotes.

Submissions (30):

Labcorp Genetics (formerly Invitae), Labcorp
Classification: Benign for Hereditary pancreatitis. Last evaluated: 2026-01-30. Review status: criteria provided, single submitter. Criteria: Invitae Variant Classification Sherloc (09022015). Collection method: clinical testing. Allele origin: germline.

KCCC/NGS Laboratory, Kuwait Cancer Control Center
Classification: Benign for Hereditary pancreatitis. Last evaluated: 2023-07-07. Review status: criteria provided, single submitter. Criteria: ACMG Guidelines, 2015. Collection method: clinical testing. Allele origin: germline. Affected: yes.

Mayo Clinic Laboratories, Mayo Clinic
Classification: Benign. Last evaluated: 2023-02-16. Review status: criteria provided, single submitter. Criteria: ACMG Guidelines, 2015. Collection method: clinical testing. Allele origin: germline. Observed: 85 variant alleles.

ARUP Laboratories, Molecular Genetics and Genomics, ARUP Laboratories
Classification: Benign. Last evaluated: 2020-12-24. Review status: criteria provided, single submitter. Criteria: ARUP Molecular Germline Variant Investigation Process 2021. Collection method: clinical testing. Allele origin: germline.

GeneDx
Classification: Benign. Last evaluated: 2018-06-22. Review status: criteria provided, single submitter. Criteria: GeneDx Variant Classification Process June 2021. Collection method: clinical testing. Allele origin: germline. Affected: yes.

Illumina Laboratory Services, Illumina
Classification: Likely benign for Hereditary pancreatitis. Last evaluated: 2017-04-27. Review status: criteria provided, single submitter. Criteria: ICSL Variant Classification Criteria 13 December 2019. Collection method: clinical testing. Allele origin: germline.
Comment: This variant was observed as part of a predisposition screen in an ostensibly healthy population. A literature search was performed for the gene, cDNA change, and amino acid change (where applicable). Publications were found based on this search. The evidence from the literature, in combination with allele frequency data from public databases where available, was sufficient to determine this variant is unlikely to cause disease. Therefore, this variant is classified as likely benign.

Ambry Genetics
Classification: Benign for Hereditary pancreatitis. Last evaluated: 2016-01-27. Review status: criteria provided, single submitter. Criteria: Ambry Variant Classification Scheme 2023. Collection method: clinical testing. Allele origin: germline.

Breakthrough Genomics
Classification: Likely benign. Review status: criteria provided, single submitter. Criteria: ACMG Guidelines, 2015. Collection method: not provided. Allele origin: germline. Inheritance: Autosomal recessive inheritance. Affected: yes.

PreventionGenetics, part of Exact Sciences
Classification: Benign. Review status: criteria provided, single submitter. Criteria: ACMG Guidelines, 2015. Collection method: clinical testing. Allele origin: germline.

Dr. Peter K. Rogan Lab, Western University
No classification provided (evidence only). Condition: Clear cell carcinoma of kidney. Review status: no classification provided. Collection method: in vitro. Allele origin: not applicable. Functional consequence: retained intron. Not counted in ClinVar's aggregate classification.

Dr. Peter K. Rogan Lab, Western University
No classification provided (evidence only). Condition: Clear cell carcinoma of kidney. Review status: no classification provided. Collection method: in vitro. Allele origin: not applicable. Functional consequence: retained intron. Not counted in ClinVar's aggregate classification.

Dr. Peter K. Rogan Lab, Western University
No classification provided (evidence only). Condition: Colon adenocarcinoma. Review status: no classification provided. Collection method: in vitro. Allele origin: not applicable. Functional consequence: retained intron. Not counted in ClinVar's aggregate classification.

Dr. Peter K. Rogan Lab, Western University
No classification provided (evidence only). Condition: Colon adenocarcinoma. Review status: no classification provided. Collection method: in vitro. Allele origin: not applicable. Functional consequence: retained intron. Not counted in ClinVar's aggregate classification.

Dr. Peter K. Rogan Lab, Western University
No classification provided (evidence only). Condition: Colon adenocarcinoma. Review status: no classification provided. Collection method: in vitro. Allele origin: not applicable. Functional consequence: retained intron. Not counted in ClinVar's aggregate classification.

Dr. Peter K. Rogan Lab, Western University
No classification provided (evidence only). Condition: Colorectal cancer. Review status: no classification provided. Collection method: in vitro. Allele origin: not applicable. Functional consequence: retained intron. Not counted in ClinVar's aggregate classification.

Dr. Peter K. Rogan Lab, Western University
No classification provided (evidence only). Condition: Uterine corpus endometrial carcinoma. Review status: no classification provided. Collection method: in vitro. Allele origin: not applicable. Functional consequence: retained intron. Not counted in ClinVar's aggregate classification.

Dr. Peter K. Rogan Lab, Western University
No classification provided (evidence only). Condition: Uterine corpus endometrial carcinoma. Review status: no classification provided. Collection method: in vitro. Allele origin: not applicable. Functional consequence: retained intron. Not counted in ClinVar's aggregate classification.

Dr. Peter K. Rogan Lab, Western University
No classification provided (evidence only). Condition: Hepatocellular carcinoma. Review status: no classification provided. Collection method: in vitro. Allele origin: not applicable. Functional consequence: retained intron. Not counted in ClinVar's aggregate classification.

Dr. Peter K. Rogan Lab, Western University
No classification provided (evidence only). Condition: Hepatocellular carcinoma. Review status: no classification provided. Collection method: in vitro. Allele origin: not applicable. Functional consequence: retained intron. Not counted in ClinVar's aggregate classification.

Dr. Peter K. Rogan Lab, Western University
No classification provided (evidence only). Condition: Hepatocellular carcinoma. Review status: no classification provided. Collection method: in vitro. Allele origin: not applicable. Functional consequence: retained intron. Not counted in ClinVar's aggregate classification.

Dr. Peter K. Rogan Lab, Western University
No classification provided (evidence only). Condition: Hepatocellular carcinoma. Review status: no classification provided. Collection method: in vitro. Allele origin: not applicable. Functional consequence: retained intron. Not counted in ClinVar's aggregate classification.

Dr. Peter K. Rogan Lab, Western University
No classification provided (evidence only). Condition: Hepatocellular carcinoma. Review status: no classification provided. Collection method: in vitro. Allele origin: not applicable. Functional consequence: retained intron. Not counted in ClinVar's aggregate classification.

Dr. Peter K. Rogan Lab, Western University
No classification provided (evidence only). Condition: Nonpapillary renal cell carcinoma. Review status: no classification provided. Collection method: in vitro. Allele origin: not applicable. Functional consequence: retained intron. Not counted in ClinVar's aggregate classification.

Dr. Peter K. Rogan Lab, Western University
No classification provided (evidence only). Condition: Nonpapillary renal cell carcinoma. Review status: no classification provided. Collection method: in vitro. Allele origin: not applicable. Functional consequence: retained intron. Not counted in ClinVar's aggregate classification.

Dr. Peter K. Rogan Lab, Western University
No classification provided (evidence only). Condition: Nonpapillary renal cell carcinoma. Review status: no classification provided. Collection method: in vitro. Allele origin: not applicable. Functional consequence: retained intron. Not counted in ClinVar's aggregate classification.

Dr. Peter K. Rogan Lab, Western University
No classification provided (evidence only). Condition: Gastric cancer. Review status: no classification provided. Collection method: in vitro. Allele origin: not applicable. Functional consequence: retained intron. Not counted in ClinVar's aggregate classification.

Dr. Peter K. Rogan Lab, Western University
No classification provided (evidence only). Condition: Gastric cancer. Review status: no classification provided. Collection method: in vitro. Allele origin: not applicable. Functional consequence: retained intron. Not counted in ClinVar's aggregate classification.

Dr. Peter K. Rogan Lab, Western University
No classification provided (evidence only). Condition: Gastric cancer. Review status: no classification provided. Collection method: in vitro. Allele origin: not applicable. Functional consequence: retained intron. Not counted in ClinVar's aggregate classification.

Genome Diagnostics Laboratory, Amsterdam University Medical Center
Classification: Benign. Review status: no assertion criteria provided. Collection method: clinical testing. Allele origin: germline. Affected: yes. Study: VKGL Data-share Consensus. Not counted in ClinVar's aggregate classification.

Joint Genome Diagnostic Labs from Nijmegen and Maastricht, Radboudumc and MUMC+
Classification: Benign. Review status: no assertion criteria provided. Collection method: clinical testing. Allele origin: germline. Affected: yes. Study: VKGL Data-share Consensus. Not counted in ClinVar's aggregate classification.

Literature cited by the submitters: PubMed 12825076 (cited by Illumina Laboratory Services, Illumina); PubMed 10691414 (cited by Illumina Laboratory Services, Illumina).